The following is an entry in ClinVar:

NM_020771.4(HACE1):c.1401G>A (p.Met467Ile)

Gene: HACE1 (HECT domain and ankyrin repeat containing E3 ubiquitin protein ligase 1; minus strand). Cytogenetic location: 6q16.3.
Variant type: single nucleotide variant.
Coding change: c.1401G>A on transcript NM_020771.4 (MANE Select); coding-DNA position 1401, G replaced by A.
Protein change: p.Met467Ile; replaces methionine 467 with isoleucine.
Molecular consequence: missense variant. On other transcripts: non-coding transcript variant (7).
Genome position (GRCh38, 1-based): chr6:104,784,993, C>T on the plus strand (G>A on the coding strand, the complement: HACE1 is on the minus strand). VCF-style: chr6-104784993-C-T. GRCh37 (hg19) VCF-style: chr6-105232868-C-T.
Other names: c.1269G>A, p.Met423Ile (NM_001321080.2); c.1299G>A, p.Met433Ile (NM_001321083.2); c.897G>A, p.Met299Ile (NM_001321084.2, NM_001350557.2, NM_001350558.2); c.1167G>A, p.Met389Ile (NM_001350554.2); c.1110G>A, p.Met370Ile (NM_001350555.2); c.915G>A, p.Met305Ile (NM_001350556.2); c.819G>A, p.Met273Ile (NM_001350559.2); c.618G>A, p.Met206Ile (NM_001350560.2); short protein forms M206I, M273I, M299I, M305I, M370I, M389I, M423I, M433I.
Identifiers: ClinVar variation 3343579 (VCV003343579.2).

ClinVar aggregate classification (germline): Uncertain significance (1 of 4 stars; one submission).

gnomAD v4.1: 2 of 1,609,442 alleles (0.00012%); highest among the groups gnomAD compares: South Asian, 0.0011%; no homozygotes.

Submission:

GeneDx
Classification: Uncertain significance. Last evaluated: 2026-01-07. Review status: criteria provided, single submitter. Criteria: GeneDx Variant Classification Process June 2021. Collection method: clinical testing. Allele origin: germline.
Comment: Not observed at significant frequency in large population cohorts (gnomAD); In silico analysis suggests that this missense variant does not alter protein structure/function; Has not been previously published as pathogenic or benign to our knowledge